The following is an entry in ClinVar:

NM_001127222.2(CACNA1A):c.2765G>T (p.Arg922Leu)

Gene: CACNA1A (calcium voltage-gated channel subunit alpha1 A; minus strand). Cytogenetic location: 19p13.13.
Variant type: single nucleotide variant.
Coding change: c.2765G>T on transcript NM_001127222.2 (MANE Select); coding-DNA position 2765, G replaced by T.
Protein change: p.Arg922Leu; replaces arginine 922 with leucine.
Molecular consequence: missense variant.
Genome position (GRCh38, 1-based): chr19:13,298,868, C>A on the plus strand (G>T on the coding strand, the complement: CACNA1A is on the minus strand). VCF-style: chr19-13298868-C-A. GRCh37 (hg19) VCF-style: chr19-13409682-C-A.
Other names: c.2777G>T, p.Arg926Leu (NM_000068.4, NM_023035.3); c.2768G>T, p.Arg923Leu (NM_001127221.2, NM_001174080.2); short protein forms R923L, R922L, R926L.
Identifiers: ClinVar variation 420907 (VCV000420907.13), dbSNP rs752824390, ClinGen allele CA16620791.

ClinVar aggregate classification (germline): Conflicting classifications of pathogenicity. Review status: criteria provided, conflicting classifications (1 of 4 stars). 3 submissions from 3 submitters: Uncertain significance (2); Likely benign (1). Last evaluated 2025-06-11.

Conditions:
Inborn genetic diseases. Identifiers: MedGen C0950123, MeSH D030342.
Episodic ataxia type 2 (EA2). Also called: ATAXIA, EPISODIC, WITH NYSTAGMUS; ATAXIA, FAMILIAL PAROXYSMAL; CEREBELLAR ATAXIA, PAROXYSMAL, ACETAZOLAMIDE-RESPONSIVE; CEREBELLOPATHY, HEREDITARY PAROXYSMAL; EPISODIC ATAXIA, NYSTAGMUS-ASSOCIATED; ACETAZOLAMIDE-RESPONSIVE HEREDITARY PAROXYSMAL CEREBELLAR ATAXIA. Identifiers: Orphanet 97, MedGen C1720416, MONDO:0007163, OMIM 108500.
Developmental and epileptic encephalopathy, 42 (DEE42A). Also called: Epileptic encephalopathy, early infantile, 42; DEVELOPMENTAL AND EPILEPTIC ENCEPHALOPATHY 42A; EPILEPTIC ENCEPHALOPATHY, EARLY INFANTILE, 42A. Identifiers: MedGen C4310716, MONDO:0014917, OMIM 617106.

Allele frequency attached by ClinVar (database versions not stated): TOPMed 0.00001; gnomAD 0.00003.
gnomAD v4.1: 12 of 1,591,598 alleles (0.00075%); highest among the groups gnomAD compares: African/African-American, 0.011%; no homozygotes.

Submissions (3):

GeneDx
Classification: Uncertain significance. Last evaluated: 2025-06-11. Review status: criteria provided, single submitter. Criteria: GeneDx Variant Classification Process June 2021. Collection method: clinical testing. Allele origin: germline. Affected: yes.
Comment: In silico analysis supports that this missense variant has a deleterious effect on protein structure/function; Has not been previously published as pathogenic or benign to our knowledge

Labcorp Genetics (formerly Invitae), Labcorp
Classification: Likely benign for Developmental and epileptic encephalopathy, 42; Episodic ataxia type 2. Last evaluated: 2025-03-30. Review status: criteria provided, single submitter. Criteria: Invitae Variant Classification Sherloc (09022015). Collection method: clinical testing. Allele origin: germline.

Ambry Genetics
Classification: Uncertain significance for Inborn genetic diseases. Last evaluated: 2024-03-15. Review status: criteria provided, single submitter. Criteria: Ambry Variant Classification Scheme 2023. Collection method: clinical testing. Allele origin: germline.